The following is an entry in ClinVar:

ClinVar aggregate classification (germline): Uncertain significance (1 of 4 stars; one submission).

Conditions:
Familial cancer of breast. Also called: BREAST CANCER, FAMILIAL; hereditary breast carcinoma; Hereditary breast cancer. Identifiers: Orphanet 227535, MedGen C0346153, MONDO:0016419, OMIM 114480. Disease mechanism: loss of function.

Submission:

Labcorp Genetics (formerly Invitae), Labcorp
Classification: Uncertain significance for Familial cancer of breast. Last evaluated: 2018-07-28. Review status: criteria provided, single submitter. Criteria: Invitae Variant Classification Sherloc (09022015). Collection method: clinical testing. Allele origin: germline.
Comment: This variant is not present in population databases (ExAC no frequency). This sequence change replaces valine with alanine at codon 991 of the PALB2 protein (p.Val991Ala). The valine residue is weakly conserved and there is a small physicochemical difference between valine and alanine. This variant has not been reported in the literature in individuals with PALB2-related disease. In summary, the available evidence is currently insufficient to determine the role of this variant in disease. Therefore, it has been classified as a Variant of Uncertain Significance. Algorithms developed to predict the effect of missense changes on protein structure and function (SIFT, PolyPhen-2, Align-GVGD) all suggest that this variant is likely to be disruptive, but these predictions have not been confirmed by published functional studies and their clinical significance is uncertain.

NM_024675.4(PALB2):c.2972T>C (p.Val991Ala)

Gene: PALB2 (partner and localizer of BRCA2; minus strand). Cytogenetic location: 16p12.2.
Variant type: single nucleotide variant.
Coding change: c.2972T>C on transcript NM_024675.4 (MANE Select); coding-DNA position 2972, T replaced by C.
Protein change: p.Val991Ala; replaces valine 991 with alanine.
Molecular consequence: missense variant.
Genome position (GRCh38, 1-based): chr16:23,622,993, A>G on the plus strand (T>C on the coding strand, the complement: PALB2 is on the minus strand). VCF-style: chr16-23622993-A-G. GRCh37 (hg19) VCF-style: chr16-23634314-A-G.
Other names: short protein forms V991A.
Identifiers: ClinVar variation 661496 (VCV000661496.9), dbSNP rs1064796208, ClinGen allele CA395143951.